The following is an entry in ClinVar:

ClinVar aggregate classification (germline): Uncertain significance. Review status: criteria provided, multiple submitters, no conflicts (2 of 4 stars). 2 submissions from 2 submitters: Uncertain significance (2). Last evaluated 2024-06-21.

Allele frequency attached by ClinVar (database versions not stated): TOPMed 0.00002.
gnomAD v4.1: 23 of 1,605,194 alleles (0.0014%); highest among the groups gnomAD compares: Middle Eastern, 0.066%; 1 homozygote.

Submissions (2):

GeneDx
Classification: Uncertain significance. Last evaluated: 2024-06-21. Review status: criteria provided, single submitter. Criteria: GeneDx Variant Classification Process June 2021. Collection method: clinical testing. Allele origin: germline. Affected: yes.
Comment: Not observed at significant frequency in large population cohorts (gnomAD); In silico analysis supports that this missense variant has a deleterious effect on protein structure/function; Has not been previously published as pathogenic or benign to our knowledge

Laboratory for Molecular Medicine, Mass General Brigham Personalized Medicine
Classification: Uncertain significance. Last evaluated: 2019-07-09. Review status: criteria provided, single submitter. Criteria: LMM Criteria. Collection method: clinical testing. Allele origin: germline. Observed: 1 variant allele.
Comment: The p.Asp252His variant in HGF has not been previously reported in individuals with hearing loss but has been identified in 0.003% (3/113742) of European chromosomes by gnomAD, including 1 homozygous individual. Computational prediction tools and conservation analysis do not provide strong support for or against an impact to the protein. In summary, the clinical significance of this variant is uncertain. ACMG/AMP Criteria applied: PM2.

NM_000601.6(HGF):c.754G>C (p.Asp252His)

Gene: HGF (hepatocyte growth factor; minus strand). Cytogenetic location: 7q21.11.
Variant type: single nucleotide variant.
Coding change: c.754G>C on transcript NM_000601.6 (MANE Select); coding-DNA position 754, G replaced by C.
Protein change: p.Asp252His; replaces aspartic acid 252 with histidine.
Molecular consequence: missense variant.
Genome position (GRCh38, 1-based): chr7:81,743,464, C>G on the plus strand (G>C on the coding strand, the complement: HGF is on the minus strand). VCF-style: chr7-81743464-C-G. GRCh37 (hg19) VCF-style: chr7-81372780-C-G.
Other names: c.754G>C, p.Asp252His (NM_001010931.3); c.739G>C, p.Asp247His (NM_001010932.3, NM_001010933.3); c.754G>C (NM_000601.4); short protein forms D252H, D247H.
Identifiers: ClinVar variation 930004 (VCV000930004.5), dbSNP rs752123971, ClinGen allele CA367874063.